The following is an entry in ClinVar:

NM_031220.4(PITPNM3):c.881G>A (p.Gly294Glu)

Gene: PITPNM3 (PITPNM family member 3; minus strand). Cytogenetic location: 17p13.2.
Variant type: single nucleotide variant.
Coding change: c.881G>A on transcript NM_031220.4 (MANE Select); coding-DNA position 881, G replaced by A.
Protein change: p.Gly294Glu; replaces glycine 294 with glutamic acid.
Molecular consequence: missense variant.
Genome position (GRCh38, 1-based): chr17:6,477,994, C>T on the plus strand (G>A on the coding strand, the complement: PITPNM3 is on the minus strand). VCF-style: chr17-6477994-C-T. GRCh37 (hg19) VCF-style: chr17-6381314-C-T.
Other names: c.773G>A, p.Gly258Glu (NM_001165966.2); short protein forms G258E, G294E.
Identifiers: ClinVar variation 2637133 (VCV002637133.1), dbSNP rs771598616, ClinGen allele CA397407876.

ClinVar aggregate classification (germline): Uncertain significance (1 of 4 stars; one submission).

Conditions:
PITPNM3-related disorder. Also called: PITPNM3-related condition.

gnomAD v4.1: 1 of 1,613,366 alleles (0.000062%); highest among the groups gnomAD compares: Admixed American, 0.0017%; no homozygotes.

Submission:

PreventionGenetics, part of Exact Sciences
Classification: Uncertain significance for PITPNM3-related condition. Last evaluated: 2022-10-18. Review status: criteria provided, single submitter. Criteria: ACMG Guidelines, 2015. Collection method: clinical testing. Allele origin: germline.
Comment: The PITPNM3 c.881G>A variant is predicted to result in the amino acid substitution p.Gly294Glu. To our knowledge, this variant has not been reported in the literature or in a large population database, indicating this variant is rare. At this time, the clinical significance of this variant is uncertain due to the absence of conclusive functional and genetic evidence.